The following is an entry in ClinVar:

NM_018006.5(TRMU):c.96_97del (p.Phe35fs)

Gene: TRMU (tRNA mitochondrial 2-thiouridylase; plus strand). Cytogenetic location: 22q13.31.
Variant type: Deletion.
Coding change: c.96_97del on transcript NM_018006.5 (MANE Select); coding-DNA positions 96 to 97, 2 bases deleted (AG; older notation c.96_97delAG).
Protein change: p.Phe35fs; shifts the reading frame from phenylalanine 35.
Molecular consequence: frameshift variant. On other transcripts: 5 prime UTR variant (3), non-coding transcript variant (2).
Genome position (GRCh38, 1-based): chr22:46,337,792-46,337,793, AG deleted. VCF-style (leftmost placement, unchanged base first): chr22-46337791-CAG-C. GRCh37 (hg19) VCF-style: chr22-46733688-CAG-C.
Other names: c.96_97del (NM_018006.4); c.-159_-158del (NM_001282784.2, NM_001282783.2); c.96_97del, p.Phe35fs (NM_001282785.2); c.-140_-139del (NM_001282782.2); short protein forms F35fs.
Identifiers: ClinVar variation 631899 (VCV000631899.17), dbSNP rs762738569, ClinGen allele CA10291950.

ClinVar aggregate classification (germline): Pathogenic/Likely pathogenic. Review status: criteria provided, multiple submitters, no conflicts (2 of 4 stars). 6 submissions from 6 submitters: Pathogenic (4); Likely pathogenic (2). Last evaluated 2025-08-29.

Conditions:
Acute infantile liver failure due to synthesis defect of mtDNA-encoded proteins. Also called: LIVER FAILURE, INFANTILE, TRANSIENT; TRMU Deficiency; Liver failure acute infantile. Identifiers: Orphanet 217371, MedGen C3278664, MONDO:0013111, OMIM 613070.
Aminoglycoside-induced deafness. Also called: DEAFNESS, STREPTOMYCIN-INDUCED; STREPTOMYCIN OTOTOXICITY; MT-RNR1-Related Hearing Loss and Deafness. Identifiers: Orphanet 168609, MedGen C1838854, MONDO:0010799, OMIM 580000.

Allele frequency attached by ClinVar (database versions not stated): gnomAD 0.00002; ExAC 0.00003; ESP Exome Variant Server 0.00008; gnomAD exomes 0.00001 and 0.00003; TOPMed 0.00002.

Submissions (6):

Labcorp Genetics (formerly Invitae), Labcorp
Classification: Pathogenic. Last evaluated: 2025-08-29. Review status: criteria provided, single submitter. Criteria: Invitae Variant Classification Sherloc (09022015). Collection method: clinical testing. Allele origin: germline.
Comment: This sequence change creates a premature translational stop signal (p.Phe35Tyrfs*9) in the TRMU gene. It is expected to result in an absent or disrupted protein product. Loss-of-function variants in TRMU are known to be pathogenic (PMID: 19732863, 23625533). This variant is present in population databases (rs762738569, gnomAD 0.006%). This variant has not been reported in the literature in individuals affected with TRMU-related conditions. ClinVar contains an entry for this variant (Variation ID: 631899). For these reasons, this variant has been classified as Pathogenic.

Natera, Inc.
Classification: Likely pathogenic for Acute infantile liver failure due to synthesis defect of mtDNA-encoded proteins. Last evaluated: 2025-08-12. Review status: criteria provided, single submitter. Criteria: Natera Variant Classification Schema (03/2026). Collection method: clinical testing. Allele origin: germline.
Comment: The c.96_97delAG variant in TRMU is a frameshift variant predicted to shift the reading frame beginning at codon 35 and leads to a stop codon 9 codons downstream. This variant is expected to result in nonsense mediated decay, truncation, or a dysfunctional protein product. This variant is rare in the general population with a frequency below the threshold expected for the associated phenotype(s). Given the available evidence, this variant is classified as Likely Pathogenic.

Fulgent Genetics
Classification: Pathogenic for Aminoglycoside-induced deafness; Acute infantile liver failure due to synthesis defect of mtDNA-encoded proteins. Last evaluated: 2024-06-01. Review status: criteria provided, single submitter. Criteria: ACMG Guidelines, 2015. Collection method: clinical testing. Allele origin: germline.

Myriad Genetics, Inc.
Classification: Pathogenic for Acute infantile liver failure due to synthesis defect of mtDNA-encoded proteins. Last evaluated: 2024-05-14. Review status: criteria provided, single submitter. Criteria: Myriad Autosomal Dominant, Autosomal Recessive and X-Linked Classification Criteria (2023). Collection method: clinical testing. Allele origin: unknown.
Comment: NM_018006.4(TRMU):c.96_97delAG(F35Yfs*9) is expected to be pathogenic in the context of acute liver failure, TRMU-related. This variant is predicted to lead to an abnormal or absent protein product due to the creation of a premature termination codon in TRMU, a gene where loss-of-function variants are known to be pathogenic. Please note: this variant was assessed in the context of healthy population screening.

Baylor Genetics
Classification: Likely pathogenic for Aminoglycoside-induced deafness. Last evaluated: 2024-03-28. Review status: criteria provided, single submitter. Criteria: ACMG Guidelines, 2015. Collection method: clinical testing. Allele origin: unknown.

GeneDx
Classification: Pathogenic. Last evaluated: 2024-01-26. Review status: criteria provided, single submitter. Criteria: GeneDx Variant Classification Process June 2021. Collection method: clinical testing. Allele origin: germline. Affected: yes.
Comment: Frameshift variant predicted to result in protein truncation or nonsense mediated decay in a gene for which loss of function is a known mechanism of disease; Not observed at significant frequency in large population cohorts (gnomAD); This variant is associated with the following publications: (PMID: 32605348)

Literature cited by the submitters: PubMed 19732863 (cited by Labcorp Genetics (formerly Invitae), Labcorp); PubMed 23625533 (cited by Labcorp Genetics (formerly Invitae), Labcorp).